The following is an entry in ClinVar:

ClinVar aggregate classification (germline): Uncertain significance (1 of 4 stars; one submission).

Allele frequency attached by ClinVar (database versions not stated): TOPMed below 0.00001.
gnomAD v4.1: 1 of 1,614,042 alleles (0.000062%); highest among the groups gnomAD compares: Non-Finnish European, 0.000085%; no homozygotes.

Submission:

Labcorp Genetics (formerly Invitae), Labcorp
Classification: Uncertain significance. Last evaluated: 2023-06-09. Review status: criteria provided, single submitter. Criteria: Invitae Variant Classification Sherloc (09022015). Collection method: clinical testing. Allele origin: germline.
Comment: In summary, the available evidence is currently insufficient to determine the role of this variant in disease. Therefore, it has been classified as a Variant of Uncertain Significance. Algorithms developed to predict the effect of missense changes on protein structure and function output the following: SIFT: "Not Available"; PolyPhen-2: "Benign"; Align-GVGD: "Not Available". The alanine amino acid residue is found in multiple mammalian species, which suggests that this missense change does not adversely affect protein function. This variant has not been reported in the literature in individuals affected with RINT1-related conditions. This variant is not present in population databases (gnomAD no frequency). This sequence change replaces serine, which is neutral and polar, with alanine, which is neutral and non-polar, at codon 295 of the RINT1 protein (p.Ser295Ala).

NM_021930.6(RINT1):c.883T>G (p.Ser295Ala)

Gene: RINT1 (RAD50 interactor 1; plus strand). Cytogenetic location: 7q22.3.
Variant type: single nucleotide variant.
Coding change: c.883T>G on transcript NM_021930.6 (MANE Select); coding-DNA position 883, T replaced by G.
Protein change: p.Ser295Ala; replaces serine 295 with alanine.
Molecular consequence: missense variant. On other transcripts: 5 prime UTR variant (2), non-coding transcript variant (1), intron variant (1).
Genome position (GRCh38, 1-based): chr7:105,548,597, T>G. VCF-style: chr7-105548597-T-G. GRCh37 (hg19) VCF-style: chr7-105189044-T-G.
Other names: c.649T>G, p.Ser217Ala (NM_001346599.2); c.-137T>G (NM_001346600.2); c.-42T>G (NM_001346601.2); c.-27-1458T>G (NM_001346603.2); short protein forms S217A, S295A.
Identifiers: ClinVar variation 2726723 (VCV002726723.3), dbSNP rs1356970011, ClinGen allele CA368807913.